The following is an entry in ClinVar:

NM_002439.5(MSH3):c.1434del (p.Asp479fs)

Gene: MSH3 (mutS homolog 3; plus strand). Cytogenetic location: 5q14.1.
Variant type: Deletion.
Coding change: c.1434del on transcript NM_002439.5 (MANE Select); coding-DNA position 1434, one base deleted (A; older notation c.1434delA).
Protein change: p.Asp479fs; shifts the reading frame from aspartic acid 479.
Molecular consequence: frameshift variant.
Genome position (GRCh38, 1-based): chr5:80,725,546, A deleted; the last of 4 consecutive A bases (chr5:80,725,543-80,725,546); deleting any one gives the same sequence. VCF-style (leftmost placement, unchanged base first): chr5-80725542-CA-C. GRCh37 (hg19) VCF-style: chr5-80021361-CA-C.
Other names: short protein forms D479fs.
Identifiers: ClinVar variation 1073699 (VCV001073699.7), dbSNP rs2112855544, ClinGen allele CA2499217934.

ClinVar aggregate classification (germline): Pathogenic (1 of 4 stars; one submission).

Submission:

Labcorp Genetics (formerly Invitae), Labcorp
Classification: Pathogenic. Last evaluated: 2022-08-23. Review status: criteria provided, single submitter. Criteria: Invitae Variant Classification Sherloc (09022015). Collection method: clinical testing. Allele origin: germline.
Comment: For these reasons, this variant has been classified as Pathogenic. This variant has not been reported in the literature in individuals affected with MSH3-related conditions. ClinVar contains an entry for this variant (Variation ID: 1073699). This variant is not present in population databases (gnomAD no frequency). This sequence change creates a premature translational stop signal (p.Asp479Ilefs*17) in the MSH3 gene. It is expected to result in an absent or disrupted protein product. Loss-of-function variants in MSH3 are known to be pathogenic (PMID: 27476653).

Literature cited by the submitters: PubMed 27476653.